The following is an entry in ClinVar:

NM_001395159.1(UNC79):c.7695_7697delinsT (p.Asn2566fs)

Gene: UNC79 (unc-79 subunit of NALCN channel complex; plus strand). Cytogenetic location: 14q32.12.
Variant type: Indel.
Coding change: c.7695_7697delinsT on transcript NM_001395159.1 (MANE Select); coding-DNA positions 7695 to 7697, AAA replaced by T.
Protein change: p.Asn2566fs; shifts the reading frame from asparagine 2566.
Molecular consequence: frameshift variant.
Genome position (GRCh38, 1-based): chr14:93,691,838-93,691,840, AAA replaced by T. VCF-style: chr14-93691838-AAA-T. GRCh37 (hg19) VCF-style: chr14-94158184-AAA-T.
Other names: c.7629_7631delinsT, p.Asn2544fs (NM_001346218.2); c.6948_6950delinsT, p.Asn2317fs (NM_020818.5); short protein forms N2317fs, N2544fs, N2566fs.
Identifiers: ClinVar variation 4531490 (VCV004531490.1).

ClinVar aggregate classification (germline): Pathogenic (1 of 4 stars; one submission).

Conditions:
Neurodevelopmental disorder. Identifiers: MedGen C1535926, MeSH D065886, MONDO:0700092.

Submission:

Victorian Clinical Genetics Services, Murdoch Childrens Research Institute
Classification: Pathogenic for Neurodevelopmental disorder. Last evaluated: 2025-01-09. Review status: criteria provided, single submitter. Criteria: ACMG Guidelines, 2015. Collection method: clinical testing. Allele origin: germline. Affected: yes.
Comment: This variant is classified as Pathogenic. Evidence in support of pathogenic classification: Variant is predicted to cause nonsense-mediated decay (NMD) and loss of protein (premature termination codon is located at least 54 nucleotides upstream of the final exon-exon junction); Variant is absent from gnomAD (v2, v3 and v4); Other NMD-predicted variant(s) comparable to the one identified in this case have very strong previous evidence for pathogenicity. Multiple NMD-predicted variants have been reported in individuals with neurodevelopmental disorders (PMID: 37183800, DECIPHER, ClinVar - personal communication); Additional information: This variant is heterozygous; This gene is associated with autosomal dominant disease; This variant has no previous evidence of pathogenicity; No published segregation evidence has been identified for this variant; No published functional evidence has been identified for this variant; Loss of function is a known mechanism of disease in this gene and is associated with neurodevelopmental disorder (MONDO:0700092), UNC79-related.

Literature cited by the submitters: PubMed 37183800.